The following is an entry in ClinVar:

ClinVar aggregate classification (germline): Likely benign (1 of 4 stars; one submission).

Allele frequency attached by ClinVar (database versions not stated): ExAC 0.00003.
gnomAD v4.1: 18 of 1,608,886 alleles (0.0011%); highest among the groups gnomAD compares: Admixed American, 0.005%; no homozygotes.

Submission:

CeGaT Center for Human Genetics Tuebingen
Classification: Likely benign. Last evaluated: 2024-03-01. Review status: criteria provided, single submitter. Criteria: CeGaT Center For Human Genetics Tuebingen Variant Classification Criteria Version 2. Collection method: clinical testing. Allele origin: germline. Affected: yes. Observed: 1 variant allele.
Comment: HOMER2: BP4, BP7

NM_004839.4(HOMER2):c.504C>T (p.Asn168=)

Gene: HOMER2 (homer scaffold protein 2; minus strand). Cytogenetic location: 15q25.2.
Variant type: single nucleotide variant.
Coding change: c.504C>T on transcript NM_004839.4 (MANE Select); coding-DNA position 504, C replaced by T.
Protein change: p.Asn168=; no amino-acid change (asparagine 168 retained).
Molecular consequence: synonymous variant.
Genome position (GRCh38, 1-based): chr15:82,854,791, G>A on the plus strand (C>T on the coding strand, the complement: HOMER2 is on the minus strand). VCF-style: chr15-82854791-G-A. GRCh37 (hg19) VCF-style: chr15-83523543-G-A.
Other names: c.537C>T, p.Asn179= (NM_199330.3).
Identifiers: ClinVar variation 3067392 (VCV003067392.21), dbSNP rs781638307, ClinGen allele CA7702103.